The following is an entry in ClinVar:

NM_000719.7(CACNA1C):c.3460G>A (p.Ala1154Thr)

Gene: CACNA1C (calcium voltage-gated channel subunit alpha1 C; plus strand). Cytogenetic location: 12p13.33.
Variant type: single nucleotide variant.
Coding change: c.3460G>A on transcript NM_000719.7 (MANE Select); coding-DNA position 3460, G replaced by A.
Protein change: p.Ala1154Thr; replaces alanine 1154 with threonine.
Molecular consequence: missense variant.
Genome position (GRCh38, 1-based): chr12:2,608,614, G>A. VCF-style: chr12-2608614-G-A. GRCh37 (hg19) VCF-style: chr12-2717780-G-A.
Other names: c.3520G>A, p.Ala1174Thr (NM_001129827.2, NM_001129832.2, NM_199460.4); c.3460G>A, p.Ala1154Thr (NM_001129829.2, NM_001129830.3, NM_001129831.2 and 15 more transcripts); c.3451G>A, p.Ala1151Thr (NM_001129844.2); short protein forms A1151T, A1154T, A1174T.
Identifiers: ClinVar variation 1199186 (VCV001199186.16), dbSNP rs1601930985, ClinGen allele CA383375438.

ClinVar aggregate classification (germline): Uncertain significance. Review status: criteria provided, multiple submitters, no conflicts (2 of 4 stars). 3 submissions from 3 submitters: Uncertain significance (3). Last evaluated 2026-01-05.

Conditions:
Cardiovascular phenotype. Identifiers: MedGen CN230736.
Long QT syndrome (LQTS). Identifiers: MedGen C0023976, MeSH D008133, MONDO:0002442. Disease mechanism: loss of function. Inheritance: Various modes of inheritance.
Timothy syndrome (TS). Also called: LONG QT SYNDROME WITH SYNDACTYLY. Identifiers: Orphanet 65283, MedGen C1832916, MeSH C536962, MONDO:0010979, OMIM 601005.

Allele frequency attached by ClinVar (database versions not stated): gnomAD exomes below 0.00001.
gnomAD v4.1: 3 of 1,609,670 alleles (0.00019%); highest among the groups gnomAD compares: African/African-American, 0.0013%; no homozygotes.

Submissions (3):

Ambry Genetics
Classification: Uncertain significance for Cardiovascular phenotype. Last evaluated: 2026-01-05. Review status: criteria provided, single submitter. Criteria: Ambry Variant Classification Scheme 2023. Collection method: clinical testing. Allele origin: germline.

Labcorp Genetics (formerly Invitae), Labcorp
Classification: Uncertain significance for Long QT syndrome. Last evaluated: 2023-08-19. Review status: criteria provided, single submitter. Criteria: Invitae Variant Classification Sherloc (09022015). Collection method: clinical testing. Allele origin: germline.
Comment: In summary, the available evidence is currently insufficient to determine the role of this variant in disease. Therefore, it has been classified as a Variant of Uncertain Significance. Advanced modeling of protein sequence and biophysical properties (such as structural, functional, and spatial information, amino acid conservation, physicochemical variation, residue mobility, and thermodynamic stability) performed at Invitae indicates that this missense variant is expected to disrupt CACNA1C protein function. ClinVar contains an entry for this variant (Variation ID: 1199186). This variant has not been reported in the literature in individuals affected with CACNA1C-related conditions. This variant is not present in population databases (gnomAD no frequency). This sequence change replaces alanine, which is neutral and non-polar, with threonine, which is neutral and polar, at codon 1154 of the CACNA1C protein (p.Ala1154Thr).

Illumina Laboratory Services, Illumina
Classification: Uncertain significance for Timothy syndrome. Last evaluated: 2021-03-04. Review status: criteria provided, single submitter. Criteria: ICSLVariantClassificationCriteria RUGD 01 April 2020. Collection method: clinical testing. Allele origin: unknown.
Comment: The CACNA1C c.3460G>A (p.Ala1154Thr) variant is a missense variant. A literature search was performed for the gene, cDNA change, and amino acid change. No publications were found based on this search. The p.Ala1154Thr variant is not reported in the Genome Aggregation Database in a region of good sequence coverage, so the variant is presumed to be rare. Based on the limited evidence, the p.Ala1154Thr variant is classified as a variant of uncertain significance for Timothy syndrome.